The following is an entry in ClinVar:

ClinVar aggregate classification (germline): Likely pathogenic (1 of 4 stars; one submission).

Submission:

Labcorp Genetics (formerly Invitae), Labcorp
Classification: Likely pathogenic. Last evaluated: 2022-03-14. Review status: criteria provided, single submitter. Criteria: Invitae Variant Classification Sherloc (09022015). Collection method: clinical testing. Allele origin: germline.
Comment: In summary, the currently available evidence indicates that the variant is pathogenic, but additional data are needed to prove that conclusively. Therefore, this variant has been classified as Likely Pathogenic. This variant has not been reported in the literature in individuals affected with MYH3-related conditions. This sequence change is a complex rearrangement involving exons 5-41 of the MYH3 gene. It does not change the copy number of any exons and may be consistent with an inversion of this region, but the exact nature of the event is unknown. It is expected to disrupt RNA splicing and lead to a loss of protein function.

NC_000017.10:g.(?_10501075)_(10554989_?)del

Gene: MYH3 (myosin heavy chain 3; minus strand). Cytogenetic location: 17p13.1.
Variant type: Deletion.
Identifiers: ClinVar variation 2424456 (VCV002424456.4).